The following is an entry in ClinVar:

ClinVar aggregate classification (germline): Uncertain significance (0 of 4 stars; one submission).

Conditions:
AFF4-related disorder. Also called: AFF4-related condition.

Submission:

PreventionGenetics, part of Exact Sciences
Classification: Uncertain significance for AFF4-related condition. Last evaluated: 2023-12-14. Review status: no assertion criteria provided. Collection method: clinical testing. Allele origin: germline.
Comment: The AFF4 c.1243C>T variant is predicted to result in the amino acid substitution p.His415Tyr. To our knowledge, this variant has not been reported in the literature. This variant is reported in 0.00088% of alleles in individuals of European (Non-Finnish) descent in gnomAD. At this time, the clinical significance of this variant is uncertain due to the absence of conclusive functional and genetic evidence.

NM_014423.4(AFF4):c.1243C>T (p.His415Tyr)

Gene: AFF4 (ALF transcription elongation factor 4; minus strand). Cytogenetic location: 5q31.1.
Variant type: single nucleotide variant.
Coding change: c.1243C>T on transcript NM_014423.4 (MANE Select); coding-DNA position 1243, C replaced by T.
Protein change: p.His415Tyr; replaces histidine 415 with tyrosine.
Molecular consequence: missense variant.
Genome position (GRCh38, 1-based): chr5:132,898,376, G>A on the plus strand (C>T on the coding strand, the complement: AFF4 is on the minus strand). VCF-style: chr5-132898376-G-A. GRCh37 (hg19) VCF-style: chr5-132234068-G-A.
Other names: short protein forms H415Y.
Identifiers: ClinVar variation 3348289 (VCV003348289.1).